The following is an entry in ClinVar:

NM_004006.3(DMD):c.331A>C (p.Ile111Leu)

Gene: DMD (dystrophin; minus strand). Cytogenetic location: Xp21.1.
Variant type: single nucleotide variant.
Coding change: c.331A>C on transcript NM_004006.3 (MANE Select); coding-DNA position 331, A replaced by C.
Protein change: p.Ile111Leu; replaces isoleucine 111 with leucine.
Molecular consequence: missense variant. On other transcripts: 5 prime UTR variant (1).
Genome position (GRCh38, 1-based): chrX:32,823,321, T>G on the plus strand (A>C on the coding strand, the complement: DMD is on the minus strand). VCF-style: chrX-32823321-T-G. GRCh37 (hg19) VCF-style: chrX-32841438-T-G.
Other names: c.307A>C, p.Ile103Leu (NM_000109.4); c.319A>C, p.Ile107Leu (NM_004009.3); c.-39A>C (NM_004010.3); short protein forms I103L, I107L, I111L.
Identifiers: ClinVar variation 963810 (VCV000963810.11), dbSNP rs2078431806, ClinGen allele CA412674471.

ClinVar aggregate classification (germline): Uncertain significance. Review status: criteria provided, single submitter (1 of 4 stars). 2 submissions from 2 submitters: Uncertain significance (1). 1 of the submissions does not count toward it. Last evaluated 2022-09-12.

Conditions:
Duchenne muscular dystrophy (DMD). Also called: MUSCULAR DYSTROPHY, PSEUDOHYPERTROPHIC PROGRESSIVE, DUCHENNE TYPE; Duchenne Muscular Dystrophy (DMD). Identifiers: Orphanet 98896, MedGen C0013264, MONDO:0010679, OMIM 310200.
Dystrophin deficiency.
Becker muscular dystrophy (BMD). Also called: MUSCULAR DYSTROPHY, PSEUDOHYPERTROPHIC PROGRESSIVE, BECKER TYPE; Becker Muscular Dystrophy (BMD). Identifiers: Orphanet 98895, MedGen C0917713, MONDO:0010311, OMIM 300376.
Cardiomyopathy (CMYO). Also called: Cardiomyopathies. Identifiers: Orphanet 167848, MedGen C0878544, MONDO:0004994, HP:0001638. Inheritance: Various modes of inheritance.

Submissions (2):

Labcorp Genetics (formerly Invitae), Labcorp
Classification: Uncertain significance for Duchenne muscular dystrophy. Last evaluated: 2022-09-12. Review status: criteria provided, single submitter. Criteria: Invitae Variant Classification Sherloc (09022015). Collection method: clinical testing. Allele origin: germline.
Comment: In summary, the available evidence is currently insufficient to determine the role of this variant in disease. Therefore, it has been classified as a Variant of Uncertain Significance. Advanced modeling of protein sequence and biophysical properties (such as structural, functional, and spatial information, amino acid conservation, physicochemical variation, residue mobility, and thermodynamic stability) performed at Invitae indicates that this missense variant is not expected to disrupt DMD protein function. ClinVar contains an entry for this variant (Variation ID: 963810). This variant has not been reported in the literature in individuals affected with DMD-related conditions. This variant is not present in population databases (gnomAD no frequency). This sequence change replaces isoleucine, which is neutral and non-polar, with leucine, which is neutral and non-polar, at codon 111 of the DMD protein (p.Ile111Leu).

Natera, Inc.
Classification: Uncertain significance for Becker muscular dystrophy; Cardiomyopathy; Duchenne muscular dystrophy; Dystrophin deficiency. Last evaluated: 2021-03-05. Review status: no assertion criteria provided. Collection method: clinical testing. Allele origin: germline. Not counted in ClinVar's aggregate classification.